The following is an entry in ClinVar:

ClinVar aggregate classification (germline): Uncertain significance. Review status: criteria provided, multiple submitters, no conflicts (2 of 4 stars). 2 submissions from 2 submitters: Uncertain significance (2). Last evaluated 2025-09-04.

Conditions:
Cardiovascular phenotype. Identifiers: MedGen CN230736.
Hereditary cancer-predisposing syndrome. Also called: Hereditary neoplastic syndrome; Neoplastic Syndromes, Hereditary; Tumor predisposition; Hereditary Cancer Syndrome. Identifiers: Orphanet 140162, MedGen C0027672, MeSH D009386, MONDO:0015356.

gnomAD v4.1: 9 of 1,612,398 alleles (0.00056%); highest among the groups gnomAD compares: Non-Finnish European, 0.00076%; no homozygotes.

Submissions (2):

Labcorp Genetics (formerly Invitae), Labcorp
Classification: Uncertain significance. Last evaluated: 2025-09-04. Review status: criteria provided, single submitter. Criteria: Invitae Variant Classification Sherloc (09022015). Collection method: clinical testing. Allele origin: germline.
Comment: This sequence change replaces glutamic acid, which is acidic and polar, with aspartic acid, which is acidic and polar, at codon 259 of the LZTR1 protein (p.Glu259Asp). This variant is not present in population databases (gnomAD no frequency). This variant has not been reported in the literature in individuals affected with LZTR1-related conditions. ClinVar contains an entry for this variant (Variation ID: 1508965). Invitae Evidence Modeling of protein sequence and biophysical properties (such as structural, functional, and spatial information, amino acid conservation, physicochemical variation, residue mobility, and thermodynamic stability) indicates that this missense variant is not expected to disrupt LZTR1 protein function with a negative predictive value of 80%. In summary, the available evidence is currently insufficient to determine the role of this variant in disease. Therefore, it has been classified as a Variant of Uncertain Significance.

Ambry Genetics
Classification: Uncertain significance for Cardiovascular phenotype; Hereditary cancer-predisposing syndrome. Last evaluated: 2025-04-14. Review status: criteria provided, single submitter. Criteria: Ambry Variant Classification Scheme 2023. Collection method: clinical testing. Allele origin: germline.
Comment: The p.E259D variant (also known as c.777A>C), located in coding exon 8 of the LZTR1 gene, results from an A to C substitution at nucleotide position 777. The glutamic acid at codon 259 is replaced by aspartic acid, an amino acid with highly similar properties. This amino acid position is highly conserved in available vertebrate species. In addition, this alteration is predicted to be tolerated by in silico analysis. Based on the available evidence, the clinical significance of this variant remains unclear.

NM_006767.4(LZTR1):c.777A>C (p.Glu259Asp)

Gene: LZTR1 (leucine zipper like post translational regulator 1; plus strand). Cytogenetic location: 22q11.21.
Variant type: single nucleotide variant.
Coding change: c.777A>C on transcript NM_006767.4 (MANE Select); coding-DNA position 777, A replaced by C.
Protein change: p.Glu259Asp; replaces glutamic acid 259 with aspartic acid.
Molecular consequence: missense variant.
Genome position (GRCh38, 1-based): chr22:20,990,511, A>C. VCF-style: chr22-20990511-A-C. GRCh37 (hg19) VCF-style: chr22-21344800-A-C.
Other names: c.777A>C (NM_006767.3); short protein forms E259D.
Identifiers: ClinVar variation 1508965 (VCV001508965.10), dbSNP rs2147964122, ClinGen allele CA410780686.
Genomic context (GRCh38, chr22:20,990,511, plus strand): 5'-GATGTTTGTATTCTCTGGGCAAAGCGGAGCCAAAATAACCAACAACCTCTTCCAGTTTGA[A>C]TTCAAGGACAAGACGTGAGTACTCTGGCCAGTGGGGTGGAGGGAGGACGGTCAGTTCCCT-3'
Protein context (NP_006758.2, residues 249-269): AKITNNLFQF[Glu259Asp]FKDKTWTRIP